The following is an entry in ClinVar:

ClinVar aggregate classification (germline): Uncertain significance (1 of 4 stars; one submission).

Conditions:
Hypertrophic cardiomyopathy. Also called: HYPERTROPHIC MYOCARDIOPATHY. Identifiers: Orphanet 217569, MedGen C0007194, MeSH D002312, MONDO:0005045, HP:0001639.

gnomAD v4.1: 2 of 1,612,804 alleles (0.00012%); highest among the groups gnomAD compares: Non-Finnish European, 0.00017%; no homozygotes.

Submission:

Labcorp Genetics (formerly Invitae), Labcorp
Classification: Uncertain significance for Hypertrophic cardiomyopathy. Last evaluated: 2025-01-20. Review status: criteria provided, single submitter. Criteria: Invitae Variant Classification Sherloc (09022015). Collection method: clinical testing. Allele origin: germline.
Comment: This sequence change replaces proline, which is neutral and non-polar, with alanine, which is neutral and non-polar, at codon 330 of the MYBPC3 protein (p.Pro330Ala). This variant is not present in population databases (gnomAD no frequency). This variant has not been reported in the literature in individuals affected with MYBPC3-related conditions. An algorithm developed to predict the effect of missense changes on protein structure and function (PolyPhen-2) suggests that this variant is likely to be tolerated. In summary, the available evidence is currently insufficient to determine the role of this variant in disease. Therefore, it has been classified as a Variant of Uncertain Significance.

NM_000256.3(MYBPC3):c.988C>G (p.Pro330Ala)

Gene: MYBPC3 (myosin binding protein C3; minus strand). Cytogenetic location: 11p11.2.
Variant type: single nucleotide variant.
Coding change: c.988C>G on transcript NM_000256.3 (MANE Select); coding-DNA position 988, C replaced by G.
Protein change: p.Pro330Ala; replaces proline 330 with alanine.
Molecular consequence: missense variant.
Genome position (GRCh38, 1-based): chr11:47,346,309, G>C on the plus strand (C>G on the coding strand, the complement: MYBPC3 is on the minus strand). VCF-style: chr11-47346309-G-C. GRCh37 (hg19) VCF-style: chr11-47367860-G-C.
Other names: short protein forms P330A.
Identifiers: ClinVar variation 3699675 (VCV003699675.2).